The following is an entry in ClinVar:

NM_000018.4(ACADVL):c.343-14T>C

Gene: ACADVL (acyl-CoA dehydrogenase very long chain; plus strand). Cytogenetic location: 17p13.1.
Variant type: single nucleotide variant.
Coding change: c.343-14T>C on transcript NM_000018.4 (MANE Select); 14 bases into the intron before coding-DNA position 343, T replaced by C.
Molecular consequence: intron variant.
Genome position (GRCh38, 1-based): chr17:7,220,910, T>C. VCF-style: chr17-7220910-T-C. GRCh37 (hg19) VCF-style: chr17-7124229-T-C.
Other names: c.412-14T>C (NM_001270447.2); c.115-14T>C (NM_001270448.2); c.277-14T>C (NM_001033859.3).
Identifiers: ClinVar variation 889087 (VCV000889087.15), dbSNP rs200368309, ClinGen allele CA8337678.
Genomic context (GRCh38, chr17:7,220,910, plus strand): 5'-TTGGTCCCTGGTGAGGTGTTTGGAGATGTTAAGCTCAAAAGGAGCCTGGATGTGGGATCC[T>C]GTGCCTTCCCCAGGAAGTGAACGATCCCGCCAAGAATGACGCTCTGGAGATGGTGGAGGA-3'

ClinVar aggregate classification (germline): Conflicting classifications of pathogenicity. Review status: criteria provided, conflicting classifications (1 of 4 stars). 4 submissions from 4 submitters: Uncertain significance (1); Benign (1); Likely benign (2). Last evaluated 2025-12-24.

Conditions:
Very long chain acyl-CoA dehydrogenase deficiency (ACADVLD). Also called: VLCAD Deficiency; Very Long-Chain Acyl-Coenzyme A Dehydrogenase Deficiency. Identifiers: Orphanet 26793, MedGen C3887523, MONDO:0008723, OMIM 201475.

Allele frequency attached by ClinVar (database versions not stated): TOPMed 0.00002; ExAC 0.00003; gnomAD 0.00003; gnomAD exomes 0.00004; 1000 Genomes Project 0.00020; 1000 Genomes Project 30x 0.00031.
gnomAD v4.1: 70 of 1,614,128 alleles (0.0043%); highest among the groups gnomAD compares: Non-Finnish European, 0.0056%; no homozygotes.

Submissions (4):

Labcorp Genetics (formerly Invitae), Labcorp
Classification: Likely benign for Very long chain acyl-CoA dehydrogenase deficiency. Last evaluated: 2025-12-24. Review status: criteria provided, single submitter. Criteria: Invitae Variant Classification Sherloc (09022015). Collection method: clinical testing. Allele origin: germline.

Blueprint Genetics
Classification: Likely benign. Last evaluated: 2023-02-03. Review status: criteria provided, single submitter. Criteria: ACMG Guidelines, 2015. Collection method: clinical testing. Allele origin: germline.

Wong Mito Lab, Molecular and Human Genetics, Baylor College of Medicine
Classification: Benign for Very long chain acyl-CoA dehydrogenase deficiency. Last evaluated: 2019-11-01. Review status: criteria provided, single submitter. Criteria: ACMG Guidelines, 2015. Collection method: clinical testing. Allele origin: germline.
Comment: The NM_000018.3:c.343-14T>C (NP_000009.1:p.?) [GRCH38: NC_000017.11:g.7220910T>C] variant in ACADVL gene is interpretated to be Benign based on ACMG guidelines (PMID: 25741868). This variant has been reported. This variant meets the following evidence codes reported in the ACMG guidelines: BS1, BS2

Illumina Laboratory Services, Illumina
Classification: Uncertain significance for Very long chain acyl-CoA dehydrogenase deficiency. Last evaluated: 2018-01-12. Review status: criteria provided, single submitter. Criteria: ICSL Variant Classification Criteria 13 December 2019. Collection method: clinical testing. Allele origin: germline.